The following is an entry in ClinVar:

NM_015047.3(EMC1):c.806G>A (p.Gly269Glu)

Genes: EMC1 (ER membrane protein complex subunit 1; minus strand), EMC1-AS1 (EMC1 antisense RNA 1; plus strand). Cytogenetic location: 1p36.13.
Variant type: single nucleotide variant.
Coding change: c.806G>A on transcript NM_015047.3 (MANE Select); coding-DNA position 806, G replaced by A.
Protein change: p.Gly269Glu; replaces glycine 269 with glutamic acid.
Molecular consequence: missense variant.
Genome position (GRCh38, 1-based): chr1:19,239,966, C>T on the plus strand (G>A on the coding strand, the complement: EMC1 is on the minus strand). VCF-style: chr1-19239966-C-T. GRCh37 (hg19) VCF-style: chr1-19566460-C-T.
Other names: c.806G>A, p.Gly269Glu (NM_001271427.2, NM_001271428.2, NM_001375820.1 and 1 more transcripts); c.740G>A, p.Gly247Glu (NM_001271429.2); short protein forms G247E, G269E.
Identifiers: ClinVar variation 2848334 (VCV002848334.3), dbSNP rs2536781088, ClinGen allele CA338768468.

ClinVar aggregate classification (germline): Uncertain significance (1 of 4 stars; one submission).

Submission:

Labcorp Genetics (formerly Invitae), Labcorp
Classification: Uncertain significance. Last evaluated: 2024-08-05. Review status: criteria provided, single submitter. Criteria: Invitae Variant Classification Sherloc (09022015). Collection method: clinical testing. Allele origin: germline.
Comment: This sequence change replaces glycine, which is neutral and non-polar, with glutamic acid, which is acidic and polar, at codon 269 of the EMC1 protein (p.Gly269Glu). This variant is not present in population databases (gnomAD no frequency). This variant has not been reported in the literature in individuals affected with EMC1-related conditions. Advanced modeling of protein sequence and biophysical properties (such as structural, functional, and spatial information, amino acid conservation, physicochemical variation, residue mobility, and thermodynamic stability) performed at Invitae indicates that this missense variant is not expected to disrupt EMC1 protein function with a negative predictive value of 80%. In summary, the available evidence is currently insufficient to determine the role of this variant in disease. Therefore, it has been classified as a Variant of Uncertain Significance.